The following is an entry in ClinVar:

NM_001128840.3(CACNA1D):c.983C>A (p.Ala328Asp)

Gene: CACNA1D (calcium voltage-gated channel subunit alpha1 D; plus strand). Cytogenetic location: 3p21.1.
Variant type: single nucleotide variant.
Coding change: c.983C>A on transcript NM_001128840.3 (MANE Select); coding-DNA position 983, C replaced by A.
Protein change: p.Ala328Asp; replaces alanine 328 with aspartic acid.
Molecular consequence: missense variant.
Genome position (GRCh38, 1-based): chr3:53,666,402, C>A. VCF-style: chr3-53666402-C-A. GRCh37 (hg19) VCF-style: chr3-53700429-C-A.
Other names: c.983C>A, p.Ala328Asp (NM_000720.4, NM_001128839.3); short protein forms A328D.
Identifiers: ClinVar variation 1390655 (VCV001390655.8), dbSNP rs748005960, ClinGen allele CA353383427.

ClinVar aggregate classification (germline): Uncertain significance (1 of 4 stars; one submission).

Submission:

Labcorp Genetics (formerly Invitae), Labcorp
Classification: Uncertain significance. Last evaluated: 2025-01-15. Review status: criteria provided, single submitter. Criteria: Invitae Variant Classification Sherloc (09022015). Collection method: clinical testing. Allele origin: germline.
Comment: This sequence change replaces alanine, which is neutral and non-polar, with aspartic acid, which is acidic and polar, at codon 328 of the CACNA1D protein (p.Ala328Asp). This variant is not present in population databases (gnomAD no frequency). This variant has not been reported in the literature in individuals affected with CACNA1D-related conditions. ClinVar contains an entry for this variant (Variation ID: 1390655). An algorithm developed to predict the effect of missense changes on protein structure and function (PolyPhen-2) suggests that this variant is likely to be tolerated. In summary, the available evidence is currently insufficient to determine the role of this variant in disease. Therefore, it has been classified as a Variant of Uncertain Significance.